The following is an entry in ClinVar:

ClinVar aggregate classification (germline): Uncertain significance. Review status: criteria provided, multiple submitters, no conflicts (2 of 4 stars). 2 submissions from 2 submitters: Uncertain significance (2). Last evaluated 2025-11-02.

Conditions:
Hereditary pancreatitis (PCTT). Also called: Hereditary chronic pancreatitis; PRSS1-Related Hereditary Pancreatitis. Identifiers: Orphanet 676, MedGen C0238339, MONDO:0008185, OMIM 167800.

Allele frequency attached by ClinVar (database versions not stated): gnomAD 0.00001; gnomAD exomes 0.00004 and 0.00007; ExAC 0.00008; 1000 Genomes Project 30x 0.00016; 1000 Genomes Project 0.00020.
gnomAD v4.1: 59 of 1,614,228 alleles (0.0037%); highest among the groups gnomAD compares: South Asian, 0.064%; 1 homozygote.

Submissions (2):

Ambry Genetics
Classification: Uncertain significance for Hereditary pancreatitis. Last evaluated: 2025-11-02. Review status: criteria provided, single submitter. Criteria: Ambry Variant Classification Scheme 2023. Collection method: clinical testing. Allele origin: germline.
Comment: The p.K287E variant (also known as c.859A>G), located in coding exon 8 of the CPA1 gene, results from an A to G substitution at nucleotide position 859. The lysine at codon 287 is replaced by glutamic acid, an amino acid with similar properties. This amino acid position is well conserved in available vertebrate species. In addition, this alteration is predicted to be tolerated by in silico analysis. Since supporting evidence is limited at this time, the clinical significance of this alteration remains unclear.

Labcorp Genetics (formerly Invitae), Labcorp
Classification: Uncertain significance. Last evaluated: 2021-10-08. Review status: criteria provided, single submitter. Criteria: Invitae Variant Classification Sherloc (09022015). Collection method: clinical testing. Allele origin: germline.
Comment: This sequence change replaces lysine with glutamic acid at codon 287 of the CPA1 protein (p.Lys287Glu). The lysine residue is highly conserved and there is a small physicochemical difference between lysine and glutamic acid. This variant is present in population databases (rs550709882, ExAC 0.06%), and has an allele count higher than expected for a pathogenic variant (PMID: 28166811). This variant has not been reported in the literature in individuals affected with CPA1-related conditions. Algorithms developed to predict the effect of missense changes on protein structure and function (SIFT, PolyPhen-2, Align-GVGD) all suggest that this variant is likely to be tolerated. In summary, the available evidence is currently insufficient to determine the role of this variant in disease. Therefore, it has been classified as a Variant of Uncertain Significance.

Literature cited by the submitters: PubMed 28166811 (cited by Labcorp Genetics (formerly Invitae), Labcorp).

NM_001868.4(CPA1):c.859A>G (p.Lys287Glu)

Gene: CPA1 (carboxypeptidase A1; plus strand). Cytogenetic location: 7q32.2.
Variant type: single nucleotide variant.
Coding change: c.859A>G on transcript NM_001868.4 (MANE Select); coding-DNA position 859, A replaced by G.
Protein change: p.Lys287Glu; replaces lysine 287 with glutamic acid.
Molecular consequence: missense variant.
Genome position (GRCh38, 1-based): chr7:130,385,217, A>G. VCF-style: chr7-130385217-A-G. GRCh37 (hg19) VCF-style: chr7-130025058-A-G.
Other names: c.859A>G (NM_001868.2); short protein forms K287E.
Identifiers: ClinVar variation 1058751 (VCV001058751.9), dbSNP rs550709882, ClinGen allele CA4484982.